The following is an entry in ClinVar:

NM_024753.5(TTC21B):c.3475G>A (p.Ala1159Thr)

Gene: TTC21B (tetratricopeptide repeat domain 21B; minus strand). Cytogenetic location: 2q24.3.
Variant type: single nucleotide variant.
Coding change: c.3475G>A on transcript NM_024753.5 (MANE Select); coding-DNA position 3475, G replaced by A.
Protein change: p.Ala1159Thr; replaces alanine 1159 with threonine.
Molecular consequence: missense variant.
Genome position (GRCh38, 1-based): chr2:165,884,003, C>T on the plus strand (G>A on the coding strand, the complement: TTC21B is on the minus strand). VCF-style: chr2-165884003-C-T. GRCh37 (hg19) VCF-style: chr2-166740513-C-T.
Other names: short protein forms A1159T.
Identifiers: ClinVar variation 1472484 (VCV001472484.6), dbSNP rs2105284735, ClinGen allele CA349047321.

ClinVar aggregate classification (germline): Uncertain significance (1 of 4 stars; one submission).

Conditions:
Jeune thoracic dystrophy. Also called: Short-rib thoracic dysplasia; Jeune syndrome; Infantile thoracic dystrophy; Thoracic pelvic phalangeal dystrophy; Jeune's syndrome; Chondroectodermal dysplasia-like syndrome. Identifiers: Orphanet 474, MedGen C0265275, MONDO:0018770.
Nephronophthisis. Also called: Juvenile Nephronophthisis. Identifiers: Orphanet 655, MedGen C0687120, MONDO:0019005, HP:0000090.

Submission:

Labcorp Genetics (formerly Invitae), Labcorp
Classification: Uncertain significance for Jeune thoracic dystrophy; Nephronophthisis. Last evaluated: 2022-07-12. Review status: criteria provided, single submitter. Criteria: Invitae Variant Classification Sherloc (09022015). Collection method: clinical testing. Allele origin: germline.
Comment: This variant is not present in population databases (gnomAD no frequency). In summary, the available evidence is currently insufficient to determine the role of this variant in disease. Therefore, it has been classified as a Variant of Uncertain Significance. Algorithms developed to predict the effect of missense changes on protein structure and function are either unavailable or do not agree on the potential impact of this missense change (SIFT: "Deleterious"; PolyPhen-2: "Possibly Damaging"; Align-GVGD: "Class C0"). ClinVar contains an entry for this variant (Variation ID: 1472484). This variant has not been reported in the literature in individuals affected with TTC21B-related conditions. This sequence change replaces alanine, which is neutral and non-polar, with threonine, which is neutral and polar, at codon 1159 of the TTC21B protein (p.Ala1159Thr).